The following is an entry in ClinVar:

NM_144670.6(A2ML1):c.4049C>G (p.Thr1350Ser)

Gene: A2ML1 (alpha-2-macroglobulin like 1; plus strand). Cytogenetic location: 12p13.31.
Variant type: single nucleotide variant.
Coding change: c.4049C>G on transcript NM_144670.6 (MANE Select); coding-DNA position 4049, C replaced by G.
Protein change: p.Thr1350Ser; replaces threonine 1350 with serine.
Molecular consequence: missense variant.
Genome position (GRCh38, 1-based): chr12:8,868,345, C>G. VCF-style: chr12-8868345-C-G. GRCh37 (hg19) VCF-style: chr12-9020941-C-G.
Other names: c.2576C>G, p.Thr859Ser (NM_001282424.3); short protein forms T1350S, T859S.
Identifiers: ClinVar variation 3855022 (VCV003855022.1).

ClinVar aggregate classification (germline): Uncertain significance (1 of 4 stars; one submission).

Submission:

Ambry Genetics
Classification: Uncertain significance. Last evaluated: 2025-03-04. Review status: criteria provided, single submitter. Criteria: Ambry Variant Classification Scheme 2023. Collection method: clinical testing. Allele origin: germline.
Comment: The p.T1350S variant (also known as c.4049C>G), located in coding exon 31 of the A2ML1 gene, results from a C to G substitution at nucleotide position 4049. The threonine at codon 1350 is replaced by serine, an amino acid with similar properties. This amino acid position is conserved. In addition, this alteration is predicted to be tolerated by in silico analysis. Based on the available evidence, the clinical significance of this variant remains unclear.